The following is an entry in ClinVar:

NM_005902.4(SMAD3):c.54del (p.Gly17_Trp18insTer)

Gene: SMAD3 (SMAD family member 3; plus strand). Cytogenetic location: 15q22.33.
Variant type: Deletion.
Coding change: c.54del on transcript NM_005902.4 (MANE Select); coding-DNA position 54, one base deleted (G; older notation c.54delG).
Protein change: p.Gly17_Trp18insTer.
Molecular consequence: nonsense.
Genome position (GRCh38, 1-based): chr15:67,066,208, G deleted; the last of 2 consecutive G bases (chr15:67,066,207-67,066,208); deleting either gives the same sequence. VCF-style (leftmost placement, unchanged base first): chr15-67066206-TG-T. GRCh37 (hg19) VCF-style: chr15-67358544-TG-T.
Other names: c.54del (NM_005902.3).
Identifiers: ClinVar variation 420915 (VCV000420915.9), dbSNP rs1064794789, ClinGen allele CA16619990.

ClinVar aggregate classification (germline): Pathogenic/Likely pathogenic. Review status: criteria provided, multiple submitters, no conflicts (2 of 4 stars). 2 submissions from 2 submitters: Pathogenic (1); Likely pathogenic (1). Last evaluated 2023-09-25.

Conditions:
Familial thoracic aortic aneurysm and aortic dissection (TAAD). Also called: Thoracic aortic aneurysms and dissections. Identifiers: Orphanet 91387, MedGen C4707243, MONDO:0019625.

Submissions (2):

Labcorp Genetics (formerly Invitae), Labcorp
Classification: Pathogenic for Familial thoracic aortic aneurysm and aortic dissection. Last evaluated: 2023-09-25. Review status: criteria provided, single submitter. Criteria: Invitae Variant Classification Sherloc (09022015). Collection method: clinical testing. Allele origin: germline.
Comment: This sequence change creates a premature translational stop signal (p.Trp18*) in the SMAD3 gene. It is expected to result in an absent or disrupted protein product. Loss-of-function variants in SMAD3 are known to be pathogenic (PMID: 21778426, 24804794). This variant is not present in population databases (gnomAD no frequency). This premature translational stop signal has been observed in individual(s) with clinical features of SMAD3-related conditions (PMID: 30661052). ClinVar contains an entry for this variant (Variation ID: 420915). For these reasons, this variant has been classified as Pathogenic.

GeneDx
Classification: Likely pathogenic. Last evaluated: 2016-04-11. Review status: criteria provided, single submitter. Criteria: GeneDx Variant Classification (06012015). Collection method: clinical testing. Allele origin: germline. Affected: yes.
Comment: The W18X likely pathogenic variant in the SMAD3 gene has not been reported as a pathogenic variant nor as a benign variant to our knowledge. W18X is predicted to cause loss of normal protein function either by protein truncation or nonsense-mediated mRNA decay. Other downstream nonsense variants in the SMAD3 gene have been reported in HGMD in association with SMAD3-related disorders (Stenson et al., 2014). Furthermore, the W18X variant was not observed in approximately 6,500 individuals of European and African American ancestry in the NHLBI Exome Sequencing Project, indicating it is not a common benign variant in these populations.

Literature cited by the submitters: PubMed 21778426 (cited by Labcorp Genetics (formerly Invitae), Labcorp); PubMed 24804794 (cited by Labcorp Genetics (formerly Invitae), Labcorp); PubMed 30661052 (cited by Labcorp Genetics (formerly Invitae), Labcorp).